The following is an entry in ClinVar:

ClinVar aggregate classification (germline): Likely pathogenic (1 of 4 stars; one submission).

Conditions:
Congenital ocular coloboma. Also called: Coloboma of eye; COLOBOMA OF IRIS, CHOROID, AND RETINA; COLOBOMA, UVEORETINAL; Coloboma. Identifiers: Orphanet 194, MedGen C0009363, MONDO:0001476, HP:0000589.

Submission:

Victorian Clinical Genetics Services, Murdoch Childrens Research Institute
Classification: Likely pathogenic for Congenital ocular coloboma. Last evaluated: 2024-09-20. Review status: criteria provided, single submitter. Criteria: ACMG Guidelines, 2015. Collection method: clinical testing. Allele origin: germline. Inheritance: Autosomal dominant inheritance. Affected: yes.
Comment: Based on the classification scheme VCGS_Germline_v1.3.4, this variant is classified as Likely pathogenic. Following criteria are met: 0104 - Dominant negative is a likely mechanism of disease in this gene and is associated with coloboma (MONDO:0001476), FZD5-related. One truncating variant in this gene has been shown to compete with WNT ligands for binding or by dimerization with wild type FZD5 (PMID: 26908622). (I) 0107 - This gene is associated with autosomal dominant disease. (I) 0112 - The condition associated with this gene has incomplete penetrance (PMID: 26908622, PMID: 36695497). (I) 0204 - Variant is predicted to result in a truncated protein (premature termination codon is NOT located at least 54 nucleotides upstream of the final exon-exon junction) with at least 1/3 of the protein sequence affected. (SP) 0251 - This variant is heterozygous. (I) 0301 - Variant is absent from gnomAD (both v2 and v3). (SP) 0600 - Variant truncates part of the annotated Frizzled domain (DECIPHER). (I) 0703 - Other downstream truncating variants comparable to the one identified in this case have moderate previous evidence for pathogenicity. p.(Glu499*) and p.(Trp522*) have been observed in families with coloboma (PMID: 36695497). Another two downstream truncating variants have also been classified as VUS by clinical laboratories in CinVar. (SP) 0807 - This variant has no previous evidence of pathogenicity. (I) 0905 - No published segregation evidence has been identified for this variant. (I) 1007 - No published functional evidence has been identified for this variant. (I) 1208 - Inheritance information for this variant is not currently available in this individual. (I) Legend: (SP) - Supporting pathogenic, (I) - Information, (SB) - Supporting benign

Literature cited by the submitters: PubMed 26908622; PubMed 36695497.

NM_003468.4(FZD5):c.1146del (p.Asp382fs)

Gene: FZD5 (frizzled class receptor 5; minus strand). Cytogenetic location: 2q33.3.
Variant type: Deletion.
Coding change: c.1146del on transcript NM_003468.4 (MANE Select); coding-DNA position 1146, one base deleted (C; older notation c.1146delC).
Protein change: p.Asp382fs; shifts the reading frame from aspartic acid 382.
Molecular consequence: frameshift variant.
Genome position (GRCh38, 1-based): chr2:207,767,594, G deleted on the plus strand (C on the coding strand, the reverse complement: FZD5 is on the minus strand). VCF-style (leftmost placement, unchanged base first): chr2-207767593-CG-C. GRCh37 (hg19) VCF-style: chr2-208632317-CG-C.
Other names: short protein forms D382fs.
Identifiers: ClinVar variation 3377022 (VCV003377022.1).
Genomic context (GRCh38, chr2:207,767,593, plus strand): 5'-AGCCGCGCAGCGAGTTCAGGTTCTGGTTGCCCACGTAGCAGATGCCGGCCACTGGGTCCC[CG>C]TCCACGGAGCTCAGCGCCAGTGCCGTGATGGACTTGACGCTGGGGATGAGCCACGCAGCC-3'